The following is an entry in ClinVar:

ClinVar aggregate classification (germline): Uncertain significance. Review status: criteria provided, multiple submitters, no conflicts (2 of 4 stars). 2 submissions from 2 submitters: Uncertain significance (2). Last evaluated 2023-05-08.

Conditions:
Inborn genetic diseases. Identifiers: MedGen C0950123, MeSH D030342.

Allele frequency attached by ClinVar (database versions not stated): gnomAD exomes below 0.00001; TOPMed 0.00001.
gnomAD v4.1: 2 of 1,610,410 alleles (0.00012%); highest among the groups gnomAD compares: Non-Finnish European, 0.00017%; no homozygotes.

Submissions (2):

GeneDx
Classification: Uncertain significance. Last evaluated: 2023-05-08. Review status: criteria provided, single submitter. Criteria: GeneDx Variant Classification Process June 2021. Collection method: clinical testing. Allele origin: germline. Affected: yes.
Comment: Not observed at significant frequency in large population cohorts (gnomAD); In silico analysis supports that this missense variant has a deleterious effect on protein structure/function; Has not been previously published as pathogenic or benign to our knowledge

Ambry Genetics
Classification: Uncertain significance for Inborn genetic diseases. Last evaluated: 2021-08-12. Review status: criteria provided, single submitter. Criteria: Ambry Variant Classification Scheme 2023. Collection method: clinical testing. Allele origin: germline.

NM_014712.3(SETD1A):c.4960T>C (p.Tyr1654His)

Gene: SETD1A (SET domain containing 1A, histone lysine methyltransferase; plus strand). Cytogenetic location: 16p11.2.
Variant type: single nucleotide variant.
Coding change: c.4960T>C on transcript NM_014712.3 (MANE Select); coding-DNA position 4960, T replaced by C.
Protein change: p.Tyr1654His; replaces tyrosine 1654 with histidine.
Molecular consequence: missense variant.
Genome position (GRCh38, 1-based): chr16:30,983,859, T>C. VCF-style: chr16-30983859-T-C. GRCh37 (hg19) VCF-style: chr16-30995180-T-C.
Other names: short protein forms Y1654H.
Identifiers: ClinVar variation 2243675 (VCV002243675.3), dbSNP rs2056418340, ClinGen allele CA395636665.
Genomic context (GRCh38, chr16:30,983,859, plus strand): 5'-AGTTGGGGGTCGGTGGGGGTGGCCACGGCTCACACGCCCTTCCATCCGCAGCCTAACTGC[T>C]ACGCCAAGGTCATCACCATCGAGTCCCAGAAGAAGATCGTGATCTACTCCAAGCAGCCCA-3'
Protein context (NP_055527.1, residues 1644-1664): FINHCCTPNC[Tyr1654His]AKVITIESQK